The following is an entry in ClinVar:

NM_003890.3(FCGBP):c.6831G>A (p.Ala2277=)

Gene: FCGBP (Fc gamma binding protein; minus strand). Cytogenetic location: 19q13.2.
Variant type: single nucleotide variant.
Coding change: c.6831G>A on transcript NM_003890.3 (MANE Select); coding-DNA position 6831, G replaced by A.
Protein change: p.Ala2277=; no amino-acid change (alanine 2277 retained).
Molecular consequence: synonymous variant.
Identifiers: ClinVar variation 3770903 (VCV003770903.10).

ClinVar aggregate classification (germline): Likely benign (1 of 4 stars; one submission).

Submission:

CeGaT Center for Human Genetics Tuebingen
Classification: Likely benign. Last evaluated: 2025-01-01. Review status: criteria provided, single submitter. Criteria: CeGaT Center For Human Genetics Tuebingen Variant Classification Criteria Version 2. Collection method: clinical testing. Allele origin: germline. Affected: yes. Observed: 1 variant allele.
Comment: FCGBP: PM2:Supporting, BP4, BP7